The following is an entry in ClinVar:

ClinVar aggregate classification (germline): Uncertain significance (1 of 4 stars; one submission).

Conditions:
Chédiak-Higashi syndrome (CHS). Also called: Chediak-Higashi Syndrome. Identifiers: Orphanet 167, MedGen C0007965, MONDO:0008963, OMIM 214500.

Allele frequency attached by ClinVar (database versions not stated): gnomAD 0.00001; gnomAD exomes 0.00001; TOPMed 0.00002.
gnomAD v4.1: 12 of 1,613,274 alleles (0.00074%); highest among the groups gnomAD compares: Admixed American, 0.0017%; no homozygotes.

Submission:

Labcorp Genetics (formerly Invitae), Labcorp
Classification: Uncertain significance for Chédiak-Higashi syndrome. Last evaluated: 2024-12-02. Review status: criteria provided, single submitter. Criteria: Invitae Variant Classification Sherloc (09022015). Collection method: clinical testing. Allele origin: germline.
Comment: This sequence change replaces arginine, which is basic and polar, with histidine, which is basic and polar, at codon 3107 of the LYST protein (p.Arg3107His). This variant is present in population databases (no rsID available, gnomAD 0.0009%). This variant has not been reported in the literature in individuals affected with LYST-related conditions. ClinVar contains an entry for this variant (Variation ID: 1357326). Invitae Evidence Modeling of protein sequence and biophysical properties (such as structural, functional, and spatial information, amino acid conservation, physicochemical variation, residue mobility, and thermodynamic stability) has been performed for this missense variant. However, the output from this modeling did not meet the statistical confidence thresholds required to predict the impact of this variant on LYST protein function. In summary, the available evidence is currently insufficient to determine the role of this variant in disease. Therefore, it has been classified as a Variant of Uncertain Significance.

NM_000081.4(LYST):c.9320G>A (p.Arg3107His)

Gene: LYST (lysosomal trafficking regulator; minus strand). Cytogenetic location: 1q42.3.
Variant type: single nucleotide variant.
Coding change: c.9320G>A on transcript NM_000081.4 (MANE Select); coding-DNA position 9320, G replaced by A.
Protein change: p.Arg3107His; replaces arginine 3107 with histidine.
Molecular consequence: missense variant.
Genome position (GRCh38, 1-based): chr1:235,720,901, C>T on the plus strand (G>A on the coding strand, the complement: LYST is on the minus strand). VCF-style: chr1-235720901-C-T. GRCh37 (hg19) VCF-style: chr1-235884201-C-T.
Other names: c.9320G>A, p.Arg3107His (NM_001301365.1); short protein forms R3107H.
Identifiers: ClinVar variation 1357326 (VCV001357326.4), dbSNP rs1015037975, ClinGen allele CA39603052.